The following is an entry in ClinVar:

NM_001354604.2(MITF):c.455C>T (p.Ala152Val)

Gene: MITF (melanocyte inducing transcription factor; plus strand). Cytogenetic location: 3p13.
Variant type: single nucleotide variant.
Coding change: c.455C>T on transcript NM_001354604.2 (MANE Select); coding-DNA position 455, C replaced by T.
Protein change: p.Ala152Val; replaces alanine 152 with valine.
Molecular consequence: missense variant. On other transcripts: intron variant (1).
Genome position (GRCh38, 1-based): chr3:69,937,922, C>T. VCF-style: chr3-69937922-C-T. GRCh37 (hg19) VCF-style: chr3-69987073-C-T.
Other names: c.134C>T, p.Ala45Val (NM_000248.4, NM_001184968.2, NM_198158.3); c.299C>T, p.Ala100Val (NM_001184967.2, NM_001354608.2); c.452C>T, p.Ala151Val (NM_001354605.2, NM_001354606.2, NM_006722.3); c.404C>T, p.Ala135Val (NM_001354607.2); c.455C>T, p.Ala152Val (NM_198159.3); c.407C>T, p.Ala136Val (NM_198177.3); c.93+41C>T (NM_198178.3); short protein forms A135V, A100V, A151V, A45V, A136V, A152V.
Identifiers: ClinVar variation 3873239 (VCV003873239.1).

ClinVar aggregate classification (germline): Uncertain significance (1 of 4 stars; one submission).

Conditions:
Hereditary cancer-predisposing syndrome. Also called: Tumor predisposition; Neoplastic Syndromes, Hereditary; Hereditary Cancer Syndrome; Hereditary neoplastic syndrome. Identifiers: Orphanet 140162, MedGen C0027672, MeSH D009386, MONDO:0015356.

gnomAD v4.1: 1 of 1,614,150 alleles (0.000062%); highest among the groups gnomAD compares: Non-Finnish European, 0.000085%; no homozygotes.

Submission:

Ambry Genetics
Classification: Uncertain significance for Hereditary cancer-predisposing syndrome. Last evaluated: 2025-02-07. Review status: criteria provided, single submitter. Criteria: Ambry Variant Classification Scheme 2023. Collection method: clinical testing. Allele origin: germline.
Comment: The p.A45V variant (also known as c.134C>T), located in coding exon 2 of the MITF gene, results from a C to T substitution at nucleotide position 134. The alanine at codon 45 is replaced by valine, an amino acid with similar properties. This amino acid position is conserved. In addition, this alteration is predicted to be tolerated by in silico analysis. Based on the available evidence, the clinical significance of this variant remains unclear.